The following is an entry in ClinVar:

ClinVar aggregate classification (germline): Uncertain significance. Review status: criteria provided, single submitter (1 of 4 stars). 2 submissions from 2 submitters: Uncertain significance (1). 1 of the submissions does not count toward it. Last evaluated 2022-04-28.

Conditions:
Autosomal dominant Alport syndrome (ATS3A). Also called: ALPORT SYNDROME 3A, AUTOSOMAL DOMINANT; Alport syndrome dominant type; Renal failure and sensorineural hearing loss. Identifiers: Orphanet 63, Orphanet 88918, MedGen C5882663, MONDO:0007086, OMIM 104200.

Allele frequency attached by ClinVar (database versions not stated): gnomAD 0.00001; TOPMed 0.00002; ExAC 0.00003; gnomAD exomes 0.00003; ESP Exome Variant Server 0.00008.
gnomAD v4.1: 45 of 1,611,800 alleles (0.0028%); highest among the groups gnomAD compares: Non-Finnish European, 0.0037%; no homozygotes.

Submissions (2):

Labcorp Genetics (formerly Invitae), Labcorp
Classification: Uncertain significance. Last evaluated: 2022-04-28. Review status: criteria provided, single submitter. Criteria: Invitae Variant Classification Sherloc (09022015). Collection method: clinical testing. Allele origin: germline.
Comment: This sequence change replaces proline, which is neutral and non-polar, with threonine, which is neutral and polar, at codon 225 of the COL4A4 protein (p.Pro225Thr). This variant is present in population databases (rs370606294, gnomAD 0.004%). This variant has not been reported in the literature in individuals affected with COL4A4-related conditions. ClinVar contains an entry for this variant (Variation ID: 635419). Advanced modeling of protein sequence and biophysical properties (such as structural, functional, and spatial information, amino acid conservation, physicochemical variation, residue mobility, and thermodynamic stability) performed at Invitae indicates that this missense variant is not expected to disrupt COL4A4 protein function. In summary, the available evidence is currently insufficient to determine the role of this variant in disease. Therefore, it has been classified as a Variant of Uncertain Significance.

Bioscientia Institut fuer Medizinische Diagnostik GmbH, Sonic Healthcare
Classification: Uncertain significance for Autosomal dominant Alport syndrome. Last evaluated: 2018-09-24. Review status: no assertion criteria provided. Collection method: clinical testing. Allele origin: germline. Affected: yes. Not counted in ClinVar's aggregate classification.

NM_000092.5(COL4A4):c.673C>A (p.Pro225Thr)

Gene: COL4A4 (collagen type IV alpha 4 chain; minus strand). Cytogenetic location: 2q36.3.
Variant type: single nucleotide variant.
Coding change: c.673C>A on transcript NM_000092.5 (MANE Select); coding-DNA position 673, C replaced by A.
Protein change: p.Pro225Thr; replaces proline 225 with threonine.
Molecular consequence: missense variant.
Genome position (GRCh38, 1-based): chr2:227,108,853, G>T on the plus strand (C>A on the coding strand, the complement: COL4A4 is on the minus strand). VCF-style: chr2-227108853-G-T. GRCh37 (hg19) VCF-style: chr2-227973569-G-T.
Other names: short protein forms P225T.
Identifiers: ClinVar variation 635419 (VCV000635419.3), dbSNP rs370606294, ClinGen allele CA2145500.